The following is an entry in ClinVar:

ClinVar aggregate classification (germline): Likely benign (1 of 4 stars; one submission).

Allele frequency attached by ClinVar (database versions not stated): gnomAD exomes below 0.00001; gnomAD 0.00001; ExAC 0.00002; 1000 Genomes Project 0.00020; 1000 Genomes Project 30x 0.00031.
gnomAD v4.1: 4 of 1,613,476 alleles (0.00025%); highest among the groups gnomAD compares: African/African-American, 0.0013%; no homozygotes.

Submission:

CeGaT Center for Human Genetics Tuebingen
Classification: Likely benign. Last evaluated: 2022-09-01. Review status: criteria provided, single submitter. Criteria: CeGaT Center For Human Genetics Tuebingen Variant Classification Criteria Version 2. Collection method: clinical testing. Allele origin: germline. Affected: yes. Observed: 1 variant allele.
Comment: EED: BP4, BP7

NM_003797.5(EED):c.81G>A (p.Glu27=)

Gene: EED (embryonic ectoderm development; plus strand). Cytogenetic location: 11q14.2.
Variant type: single nucleotide variant.
Coding change: c.81G>A on transcript NM_003797.5 (MANE Select); coding-DNA position 81, G replaced by A.
Protein change: p.Glu27=; no amino-acid change (glutamic acid 27 retained).
Molecular consequence: synonymous variant.
Genome position (GRCh38, 1-based): chr11:86,245,310, G>A. VCF-style: chr11-86245310-G-A. GRCh37 (hg19) VCF-style: chr11-85956352-G-A.
Other names: c.81G>A, p.Glu27= (NM_001308007.2, NM_001330334.2).
Identifiers: ClinVar variation 2642250 (VCV002642250.24), dbSNP rs554137878, ClinGen allele CA6216310.